The following is an entry in ClinVar:

NM_138927.4(SON):c.1118A>G (p.Gln373Arg)

Gene: SON (SON DNA and RNA binding protein; plus strand). Cytogenetic location: 21q22.11.
Variant type: single nucleotide variant.
Coding change: c.1118A>G on transcript NM_138927.4 (MANE Select); coding-DNA position 1118, A replaced by G.
Protein change: p.Gln373Arg; replaces glutamine 373 with arginine.
Molecular consequence: missense variant. On other transcripts: non-coding transcript variant (1), intron variant (1).
Genome position (GRCh38, 1-based): chr21:33,550,349, A>G. VCF-style: chr21-33550349-A-G. GRCh37 (hg19) VCF-style: chr21-34922655-A-G.
Other names: c.1118A>G, p.Gln373Arg (NM_001291411.2, NM_032195.3); c.244+3970A>G (NM_001291412.3); short protein forms Q373R.
Identifiers: ClinVar variation 1396895 (VCV001396895.6), dbSNP rs2145817709, ClinGen allele CA410153180.

ClinVar aggregate classification (germline): Uncertain significance (1 of 4 stars; one submission).

Submission:

Labcorp Genetics (formerly Invitae), Labcorp
Classification: Uncertain significance. Last evaluated: 2023-12-02. Review status: criteria provided, single submitter. Criteria: Invitae Variant Classification Sherloc (09022015). Collection method: clinical testing. Allele origin: germline.
Comment: This sequence change replaces glutamine, which is neutral and polar, with arginine, which is basic and polar, at codon 373 of the SON protein (p.Gln373Arg). This variant is not present in population databases (gnomAD no frequency). This variant has not been reported in the literature in individuals affected with SON-related conditions. ClinVar contains an entry for this variant (Variation ID: 1396895). An algorithm developed to predict the effect of missense changes on protein structure and function (PolyPhen-2) suggests that this variant is likely to be disruptive. In summary, the available evidence is currently insufficient to determine the role of this variant in disease. Therefore, it has been classified as a Variant of Uncertain Significance.